The following is an entry in ClinVar:

NM_031844.3(HNRNPU):c.2220TGG[1] (p.Gly745del)

Gene: HNRNPU (heterogeneous nuclear ribonucleoprotein U; minus strand). Cytogenetic location: 1q44.
Variant type: Microsatellite.
Coding change: c.2220TGG[1] on transcript NM_031844.3 (MANE Select); one copy of the 3-base unit TGG starting at c.2220; the reference has two copies in a row; one copy, 3 bases deleted.
Protein change: p.Gly745del; deletes glycine 745.
Molecular consequence: inframe deletion.
Genome position (GRCh38, 1-based): chr1:244,855,551-244,855,553, CCA deleted on the plus strand (TGG on the coding strand, the reverse complement: HNRNPU is on the minus strand); deleting any 3 consecutive bases within chr1:244,855,551-244,855,558 gives the same sequence; the position shown is the placement nearest the transcript's 3' end. VCF-style (leftmost placement, unchanged base first): chr1-244855550-GCCA-G. GRCh37 (hg19) VCF-style: chr1-245018852-GCCA-G.
Other names: c.2163TGG[1], p.Gly726del (NM_004501.3); short protein forms G726del, G745del.
Identifiers: ClinVar variation 2632829 (VCV002632829.4), dbSNP rs1558186011, ClinGen allele CA916446880.
Genomic context (GRCh38, chr1:244,855,550, plus strand): 5'-ACGGCCAGGAAAAACAGGGGCACGAGGGTATGGATAGCCGATTCCACCACTTCCTCCACC[GCCA>G]CCACCTCTCTGTGGCATGTTGCCCCTCCTATTATATCCGCCACGATTCCCAGGGGCTAAA-3'

ClinVar aggregate classification (germline): Conflicting classifications of pathogenicity. Review status: criteria provided, conflicting classifications (1 of 4 stars). 2 submissions from 2 submitters: Uncertain significance (1); Likely benign (1). Last evaluated 2024-10-23.

Conditions:
Developmental and epileptic encephalopathy, 54. Also called: Epileptic encephalopathy, early infantile, 54; HNRNPU-Related Neurodevelopmental Disorder. Identifiers: MedGen C4479319, MONDO:0033363, OMIM 617391.
HNRNPU-related disorder. Also called: HNRNPU-related condition.

Submissions (2):

Labcorp Genetics (formerly Invitae), Labcorp
Classification: Likely benign for Developmental and epileptic encephalopathy, 54. Last evaluated: 2024-10-23. Review status: criteria provided, single submitter. Criteria: Invitae Variant Classification Sherloc (09022015). Collection method: clinical testing. Allele origin: germline.

PreventionGenetics, part of Exact Sciences
Classification: Uncertain significance for HNRNPU-related condition. Last evaluated: 2023-05-26. Review status: criteria provided, single submitter. Criteria: ACMG Guidelines, 2015. Collection method: clinical testing. Allele origin: germline.
Comment: The HNRNPU c.2223_2225delTGG variant is predicted to result in an in-frame deletion (p.Gly745del). To our knowledge, this variant has not been reported in the literature. This variant is reported in 0.0% of alleles in individuals of African descent in gnomAD. At this time, the clinical significance of this variant is uncertain due to the absence of conclusive functional and genetic evidence.